The following is an entry in ClinVar:

ClinVar aggregate classification (germline): Uncertain significance (1 of 4 stars; one submission).

Conditions:
LRRIQ3-related disorder. Also called: LRRIQ3-related condition.

Allele frequency attached by ClinVar (database versions not stated): gnomAD exomes below 0.00001.
gnomAD v4.1: 1 of 1,515,974 alleles (0.000066%); highest among the groups gnomAD compares: African/African-American, 0.0014%; no homozygotes.

Submission:

PreventionGenetics, part of Exact Sciences
Classification: Uncertain significance for LRRIQ3-related condition. Last evaluated: 2026-02-03. Review status: criteria provided, single submitter. Criteria: ACMG Guidelines, 2015. Collection method: clinical testing. Allele origin: germline.
Comment: The LRRIQ3 c.573+1G>A variant is predicted to disrupt the GT donor site and interfere with normal splicing. To our knowledge, this variant has not been reported in the literature or in a large population database (gnomAD), indicating this variant is rare. Although we suspect that this variant may be pathogenic, at this time, the clinical significance of this variant is uncertain due to the absence of conclusive functional and genetic evidence.

NM_001105659.2(LRRIQ3):c.573+1G>A

Gene: LRRIQ3 (leucine rich repeats and IQ motif containing 3; minus strand). Cytogenetic location: 1p31.1.
Variant type: single nucleotide variant.
Coding change: c.573+1G>A on transcript NM_001105659.2 (MANE Select); the canonical splice donor site of the intron after coding-DNA position 573, G replaced by A.
Molecular consequence: splice donor variant.
Genome position (GRCh38, 1-based): chr1:74,182,537, C>T on the plus strand (G>A on the coding strand, the complement: LRRIQ3 is on the minus strand). VCF-style: chr1-74182537-C-T. GRCh37 (hg19) VCF-style: chr1-74648221-C-T.
Other names: c.573+1G>A (NM_001322315.2).
Identifiers: ClinVar variation 2635230 (VCV002635230.2), dbSNP rs1650044219, ClinGen allele CA340846403.